The following is an entry in ClinVar:

ClinVar aggregate classification (germline): Uncertain significance. Review status: criteria provided, multiple submitters, no conflicts (2 of 4 stars). 3 submissions from 3 submitters: Uncertain significance (3). Last evaluated 2025-07-03.

Conditions:
Familial adenomatous polyposis 3. Also called: NTHL1-Related Adenomatous Polyposis and Colorectal Cancer; NTHL1-associated polyposis; NTHL1-related attenuated familial adenomatous polyposis; NTHL1 Tumor Syndrome. Identifiers: Orphanet 220460, Orphanet 454840, MedGen C4225157, MONDO:0014630, OMIM 616415.
Hereditary cancer-predisposing syndrome. Also called: Tumor predisposition; Neoplastic Syndromes, Hereditary; Hereditary Cancer Syndrome; Hereditary neoplastic syndrome. Identifiers: Orphanet 140162, MedGen C0027672, MeSH D009386, MONDO:0015356.

gnomAD v4.1: 2 of 1,586,446 alleles (0.00013%); highest among the groups gnomAD compares: Non-Finnish European, 0.00017%; no homozygotes.

Submissions (3):

Ambry Genetics
Classification: Uncertain significance for Hereditary cancer-predisposing syndrome. Last evaluated: 2025-07-03. Review status: criteria provided, single submitter. Criteria: Ambry Variant Classification Scheme 2023. Collection method: clinical testing. Allele origin: germline.
Comment: The p.G31E variant (also known as c.92G>A), located in coding exon 1 of the NTHL1 gene, results from a G to A substitution at nucleotide position 92. The glycine at codon 31 is replaced by glutamic acid, an amino acid with similar properties. This amino acid position is not well conserved in available vertebrate species. In addition, this alteration is predicted to be tolerated by in silico analysis. Since supporting evidence is limited at this time, the clinical significance of this alteration remains unclear.

Labcorp Genetics (formerly Invitae), Labcorp
Classification: Uncertain significance. Last evaluated: 2024-05-06. Review status: criteria provided, single submitter. Criteria: Invitae Variant Classification Sherloc (09022015). Collection method: clinical testing. Allele origin: germline.
Comment: This sequence change replaces glycine, which is neutral and non-polar, with glutamic acid, which is acidic and polar, at codon 31 of the NTHL1 protein (p.Gly31Glu). This variant is not present in population databases (gnomAD no frequency). This variant has not been reported in the literature in individuals affected with NTHL1-related conditions. ClinVar contains an entry for this variant (Variation ID: 662324). An algorithm developed to predict the effect of missense changes on protein structure and function (PolyPhen-2) suggests that this variant is likely to be tolerated. In summary, the available evidence is currently insufficient to determine the role of this variant in disease. Therefore, it has been classified as a Variant of Uncertain Significance.

Baylor Genetics
Classification: Uncertain significance for Familial adenomatous polyposis 3. Last evaluated: 2023-05-16. Review status: criteria provided, single submitter. Criteria: ACMG Guidelines, 2015. Collection method: clinical testing. Allele origin: unknown.

NM_002528.7(NTHL1):c.68G>A (p.Gly23Glu)

Gene: NTHL1 (nth like DNA glycosylase 1; minus strand). Cytogenetic location: 16p13.3.
Variant type: single nucleotide variant.
Coding change: c.68G>A on transcript NM_002528.7 (MANE Select); coding-DNA position 68, G replaced by A.
Protein change: p.Gly23Glu; replaces glycine 23 with glutamic acid.
Molecular consequence: missense variant. On other transcripts: 5 prime UTR variant (1).
Genome position (GRCh38, 1-based): chr16:2,047,756, C>T on the plus strand (G>A on the coding strand, the complement: NTHL1 is on the minus strand). VCF-style: chr16-2047756-C-T. GRCh37 (hg19) VCF-style: chr16-2097757-C-T.
Other names: c.68G>A, p.Gly23Glu (LRG_1366t1, NM_001318193.2); c.-111G>A (NM_001318194.2); short protein forms G23E.
Identifiers: ClinVar variation 662324 (VCV000662324.13), dbSNP rs749963973, ClinGen allele CA394298410.
Genomic context (GRCh38, chr16:2,047,756, plus strand): 5'-GGCGCGGCGCTACCTGCTGCAGCCTCTCTTCTCCGGAGAGGCCCGGGCTCCTCCCTACAC[C>T]CCCGCGGCCCAGCCCCGGGTCCCAGGCTCCGGCTCCGGGTCAGCATCCTCGCGCTCAAGG-3'
Protein context (NP_002519.2, residues 13-33): RSLGPGAGPR[Gly23Glu]CREEPGPLRR